The following continues an entry in ClinVar:

NM_024596.5(MCPH1):c.1728C>T (p.Gly576=)

Gene: MCPH1. ClinVar aggregate classification (germline): Benign. Benign (7).

Submissions 32 to 68 of 109:

Dr. Peter K. Rogan Lab, Western University
No classification provided (evidence only). Condition: Colorectal cancer. Review status: no classification provided. Collection method: in vitro. Allele origin: not applicable. Functional consequence: retained intron. Not counted in ClinVar's aggregate classification.

Dr. Peter K. Rogan Lab, Western University
No classification provided (evidence only). Condition: Colorectal cancer. Review status: no classification provided. Collection method: in vitro. Allele origin: not applicable. Functional consequence: retained intron. Not counted in ClinVar's aggregate classification.

Dr. Peter K. Rogan Lab, Western University
No classification provided (evidence only). Condition: Uterine corpus endometrial carcinoma. Review status: no classification provided. Collection method: in vitro. Allele origin: not applicable. Functional consequence: retained intron. Not counted in ClinVar's aggregate classification.

Dr. Peter K. Rogan Lab, Western University
No classification provided (evidence only). Condition: Uterine corpus endometrial carcinoma. Review status: no classification provided. Collection method: in vitro. Allele origin: not applicable. Functional consequence: retained intron. Not counted in ClinVar's aggregate classification.

Dr. Peter K. Rogan Lab, Western University
No classification provided (evidence only). Condition: Uterine corpus endometrial carcinoma. Review status: no classification provided. Collection method: in vitro. Allele origin: not applicable. Functional consequence: retained intron. Not counted in ClinVar's aggregate classification.

Dr. Peter K. Rogan Lab, Western University
No classification provided (evidence only). Condition: Uterine corpus endometrial carcinoma. Review status: no classification provided. Collection method: in vitro. Allele origin: not applicable. Functional consequence: retained intron. Not counted in ClinVar's aggregate classification.

Dr. Peter K. Rogan Lab, Western University
No classification provided (evidence only). Condition: Uterine corpus endometrial carcinoma. Review status: no classification provided. Collection method: in vitro. Allele origin: not applicable. Functional consequence: retained intron. Not counted in ClinVar's aggregate classification.

Dr. Peter K. Rogan Lab, Western University
No classification provided (evidence only). Condition: Uterine corpus endometrial carcinoma. Review status: no classification provided. Collection method: in vitro. Allele origin: not applicable. Functional consequence: retained intron. Not counted in ClinVar's aggregate classification.

Dr. Peter K. Rogan Lab, Western University
No classification provided (evidence only). Condition: Cervical cancer. Review status: no classification provided. Collection method: in vitro. Allele origin: not applicable. Functional consequence: retained intron. Not counted in ClinVar's aggregate classification.

Dr. Peter K. Rogan Lab, Western University
No classification provided (evidence only). Condition: Cervical cancer. Review status: no classification provided. Collection method: in vitro. Allele origin: not applicable. Functional consequence: retained intron. Not counted in ClinVar's aggregate classification.

Dr. Peter K. Rogan Lab, Western University
No classification provided (evidence only). Condition: Cervical cancer. Review status: no classification provided. Collection method: in vitro. Allele origin: not applicable. Functional consequence: retained intron. Not counted in ClinVar's aggregate classification.

Dr. Peter K. Rogan Lab, Western University
No classification provided (evidence only). Condition: Cervical cancer. Review status: no classification provided. Collection method: in vitro. Allele origin: not applicable. Functional consequence: retained intron. Not counted in ClinVar's aggregate classification.

Dr. Peter K. Rogan Lab, Western University
No classification provided (evidence only). Condition: Cervical cancer. Review status: no classification provided. Collection method: in vitro. Allele origin: not applicable. Functional consequence: retained intron. Not counted in ClinVar's aggregate classification.

Dr. Peter K. Rogan Lab, Western University
No classification provided (evidence only). Condition: Cervical cancer. Review status: no classification provided. Collection method: in vitro. Allele origin: not applicable. Functional consequence: retained intron. Not counted in ClinVar's aggregate classification.

Dr. Peter K. Rogan Lab, Western University
No classification provided (evidence only). Condition: Cervical cancer. Review status: no classification provided. Collection method: in vitro. Allele origin: not applicable. Functional consequence: retained intron. Not counted in ClinVar's aggregate classification.

Dr. Peter K. Rogan Lab, Western University
No classification provided (evidence only). Condition: Cervical cancer. Review status: no classification provided. Collection method: in vitro. Allele origin: not applicable. Functional consequence: retained intron. Not counted in ClinVar's aggregate classification.

Dr. Peter K. Rogan Lab, Western University
No classification provided (evidence only). Condition: Cervical cancer. Review status: no classification provided. Collection method: in vitro. Allele origin: not applicable. Functional consequence: retained intron. Not counted in ClinVar's aggregate classification.

Dr. Peter K. Rogan Lab, Western University
No classification provided (evidence only). Condition: Cervical cancer. Review status: no classification provided. Collection method: in vitro. Allele origin: not applicable. Functional consequence: retained intron. Not counted in ClinVar's aggregate classification.

Dr. Peter K. Rogan Lab, Western University
No classification provided (evidence only). Condition: Cervical cancer. Review status: no classification provided. Collection method: in vitro. Allele origin: not applicable. Functional consequence: retained intron. Not counted in ClinVar's aggregate classification.

Dr. Peter K. Rogan Lab, Western University
No classification provided (evidence only). Condition: Cervical cancer. Review status: no classification provided. Collection method: in vitro. Allele origin: not applicable. Functional consequence: retained intron. Not counted in ClinVar's aggregate classification.

Dr. Peter K. Rogan Lab, Western University
No classification provided (evidence only). Condition: Cervical cancer. Review status: no classification provided. Collection method: in vitro. Allele origin: not applicable. Functional consequence: retained intron. Not counted in ClinVar's aggregate classification.

Dr. Peter K. Rogan Lab, Western University
No classification provided (evidence only). Condition: Cervical cancer. Review status: no classification provided. Collection method: in vitro. Allele origin: not applicable. Functional consequence: retained intron. Not counted in ClinVar's aggregate classification.

Dr. Peter K. Rogan Lab, Western University
No classification provided (evidence only). Condition: Cervical cancer. Review status: no classification provided. Collection method: in vitro. Allele origin: not applicable. Functional consequence: retained intron. Not counted in ClinVar's aggregate classification.

Dr. Peter K. Rogan Lab, Western University
No classification provided (evidence only). Condition: Cervical cancer. Review status: no classification provided. Collection method: in vitro. Allele origin: not applicable. Functional consequence: retained intron. Not counted in ClinVar's aggregate classification.

Dr. Peter K. Rogan Lab, Western University
No classification provided (evidence only). Condition: Sarcoma. Review status: no classification provided. Collection method: in vitro. Allele origin: not applicable. Functional consequence: retained intron. Not counted in ClinVar's aggregate classification.

Dr. Peter K. Rogan Lab, Western University
No classification provided (evidence only). Condition: Sarcoma. Review status: no classification provided. Collection method: in vitro. Allele origin: not applicable. Functional consequence: retained intron. Not counted in ClinVar's aggregate classification.

Dr. Peter K. Rogan Lab, Western University
No classification provided (evidence only). Condition: Sarcoma. Review status: no classification provided. Collection method: in vitro. Allele origin: not applicable. Functional consequence: retained intron. Not counted in ClinVar's aggregate classification.

Dr. Peter K. Rogan Lab, Western University
No classification provided (evidence only). Condition: Sarcoma. Review status: no classification provided. Collection method: in vitro. Allele origin: not applicable. Functional consequence: retained intron. Not counted in ClinVar's aggregate classification.

Dr. Peter K. Rogan Lab, Western University
No classification provided (evidence only). Condition: Sarcoma. Review status: no classification provided. Collection method: in vitro. Allele origin: not applicable. Functional consequence: retained intron. Not counted in ClinVar's aggregate classification.

Dr. Peter K. Rogan Lab, Western University
No classification provided (evidence only). Condition: Sarcoma. Review status: no classification provided. Collection method: in vitro. Allele origin: not applicable. Functional consequence: retained intron. Not counted in ClinVar's aggregate classification.

Dr. Peter K. Rogan Lab, Western University
No classification provided (evidence only). Condition: Sarcoma. Review status: no classification provided. Collection method: in vitro. Allele origin: not applicable. Functional consequence: retained intron. Not counted in ClinVar's aggregate classification.

Dr. Peter K. Rogan Lab, Western University
No classification provided (evidence only). Condition: Sarcoma. Review status: no classification provided. Collection method: in vitro. Allele origin: not applicable. Functional consequence: retained intron. Not counted in ClinVar's aggregate classification.

Dr. Peter K. Rogan Lab, Western University
No classification provided (evidence only). Condition: Sarcoma. Review status: no classification provided. Collection method: in vitro. Allele origin: not applicable. Functional consequence: retained intron. Not counted in ClinVar's aggregate classification.

Dr. Peter K. Rogan Lab, Western University
No classification provided (evidence only). Condition: Malignant lymphoma, large B-cell, diffuse. Review status: no classification provided. Collection method: in vitro. Allele origin: not applicable. Functional consequence: retained intron. Not counted in ClinVar's aggregate classification.

Dr. Peter K. Rogan Lab, Western University
No classification provided (evidence only). Condition: Malignant lymphoma, large B-cell, diffuse. Review status: no classification provided. Collection method: in vitro. Allele origin: not applicable. Functional consequence: retained intron. Not counted in ClinVar's aggregate classification.

Dr. Peter K. Rogan Lab, Western University
No classification provided (evidence only). Condition: Malignant lymphoma, large B-cell, diffuse. Review status: no classification provided. Collection method: in vitro. Allele origin: not applicable. Functional consequence: retained intron. Not counted in ClinVar's aggregate classification.

Dr. Peter K. Rogan Lab, Western University
No classification provided (evidence only). Condition: Malignant lymphoma, large B-cell, diffuse. Review status: no classification provided. Collection method: in vitro. Allele origin: not applicable. Functional consequence: retained intron. Not counted in ClinVar's aggregate classification.